The following is an entry in ClinVar:

NM_000388.4(CASR):c.1169C>A (p.Ala390Asp)

Gene: CASR (calcium sensing receptor; plus strand). Cytogenetic location: 3q21.1.
Variant type: single nucleotide variant.
Coding change: c.1169C>A on transcript NM_000388.4 (MANE Select); coding-DNA position 1169, C replaced by A.
Protein change: p.Ala390Asp; replaces alanine 390 with aspartic acid.
Molecular consequence: missense variant.
Genome position (GRCh38, 1-based): chr3:122,262,204, C>A. VCF-style: chr3-122262204-C-A. GRCh37 (hg19) VCF-style: chr3-121981051-C-A.
Other names: c.1169C>A, p.Ala390Asp (NM_001178065.2); c.1169C>A (NM_000388.3); short protein forms A390D.
Identifiers: ClinVar variation 1368152 (VCV001368152.9), dbSNP rs757533550, ClinGen allele CA354152739.

ClinVar aggregate classification (germline): Uncertain significance. Review status: criteria provided, multiple submitters, no conflicts (2 of 4 stars). 2 submissions from 2 submitters: Uncertain significance (2). Last evaluated 2025-07-30.

Conditions:
Nephrolithiasis/nephrocalcinosis. Identifiers: MedGen CN580796.
Familial hypocalciuric hypercalcemia (FHH). Also called: Familial benign hypercalcemia. Identifiers: Orphanet 405, MedGen C1809471, MONDO:0018458.
Autosomal dominant hypocalcemia 1 (HYPOC1). Also called: HYPOCALCEMIA, FAMILIAL. Identifiers: MedGen C3715128, MONDO:0011013, OMIM 601198.

Submissions (2):

Labcorp Genetics (formerly Invitae), Labcorp
Classification: Uncertain significance for Familial hypocalciuric hypercalcemia; Autosomal dominant hypocalcemia 1. Last evaluated: 2025-07-30. Review status: criteria provided, single submitter. Criteria: Invitae Variant Classification Sherloc (09022015). Collection method: clinical testing. Allele origin: germline.
Comment: This sequence change replaces alanine, which is neutral and non-polar, with aspartic acid, which is acidic and polar, at codon 390 of the CASR protein (p.Ala390Asp). This variant is not present in population databases (gnomAD no frequency). This variant has not been reported in the literature in individuals affected with CASR-related conditions. ClinVar contains an entry for this variant (Variation ID: 1368152). An algorithm developed to predict the effect of missense changes on protein structure and function (PolyPhen-2) suggests that this variant is likely to be tolerated. In summary, the available evidence is currently insufficient to determine the role of this variant in disease. Therefore, it has been classified as a Variant of Uncertain Significance.

Ambry Genetics
Classification: Uncertain significance for Nephrolithiasis/nephrocalcinosis. Last evaluated: 2022-12-31. Review status: criteria provided, single submitter. Criteria: Ambry Variant Classification Scheme 2023. Collection method: clinical testing. Allele origin: germline.
Comment: The p.A390D variant (also known as c.1169C>A), located in coding exon 3 of the CASR gene, results from a C to A substitution at nucleotide position 1169. The alanine at codon 390 is replaced by aspartic acid, an amino acid with dissimilar properties. This amino acid position is conserved. In addition, this alteration is predicted to be tolerated by in silico analysis. Since supporting evidence is limited at this time, the clinical significance of this alteration remains unclear.